The following is an entry in ClinVar:

ClinVar aggregate classification (germline): Pathogenic. Review status: criteria provided, multiple submitters, no conflicts (2 of 4 stars). 2 submissions from 2 submitters: Pathogenic (2). Last evaluated 2023-01-05.

Submissions (2):

Labcorp Genetics (formerly Invitae), Labcorp
Classification: Pathogenic. Last evaluated: 2023-01-05. Review status: criteria provided, single submitter. Criteria: Invitae Variant Classification Sherloc (09022015). Collection method: clinical testing. Allele origin: germline.
Comment: For these reasons, this variant has been classified as Pathogenic. ClinVar contains an entry for this variant (Variation ID: 280782). This premature translational stop signal has been observed in individual(s) with NDUFV1-related conditions (PMID: 34134969). This variant is present in population databases (rs746745725, gnomAD 0.001%). This sequence change creates a premature translational stop signal (p.Val18Alafs*20) in the NDUFV1 gene. It is expected to result in an absent or disrupted protein product. Loss-of-function variants in NDUFV1 are known to be pathogenic (PMID: 10080174, 11349233).

GeneDx
Classification: Pathogenic. Last evaluated: 2016-08-25. Review status: criteria provided, single submitter. Criteria: GeneDx Variant Classification (06012015). Collection method: clinical testing. Allele origin: germline. Affected: yes.
Comment: The c.53_54delTG variant in the NDUFV1 gene has not been reported previously as a pathogenic variant nor as a benign variant, to our knowledge. The c.53_54delTG variant causes a frameshift starting with codon Valine 18, changes this amino acid to an Alanine residue, and creates a premature Stop codon at position 20 of the new reading frame, denoted p.Val18AlafsX20. This variant is predicted to cause loss of normal protein function either through protein truncation or nonsense-mediated mRNA decay. The c.53_54delTG variant was not observed in approximately 6500 individuals of European and African American ancestry in the NHLBI Exome Sequencing Project, indicating it is not a common benign variant in these populations. We interpret c.53_54delTG as a pathogenic variant.

Literature cited by the submitters: PubMed 34134969 (cited by Labcorp Genetics (formerly Invitae), Labcorp); PubMed 10080174 (cited by Labcorp Genetics (formerly Invitae), Labcorp); PubMed 11349233 (cited by Labcorp Genetics (formerly Invitae), Labcorp).

NM_007103.4(NDUFV1):c.53_54del (p.Val18fs)

Gene: NDUFV1 (NADH:ubiquinone oxidoreductase core subunit V1; plus strand). Cytogenetic location: 11q13.2.
Variant type: Microsatellite.
Coding change: c.53_54del on transcript NM_007103.4 (MANE Select); coding-DNA positions 53 to 54, 2 bases deleted (TG; older notation c.53_54delTG).
Protein change: p.Val18fs; shifts the reading frame from valine 18.
Molecular consequence: frameshift variant. On other transcripts: intron variant (1).
Genome position (GRCh38, 1-based): chr11:67,607,057-67,607,058, TG deleted; deleting any 2 consecutive bases within chr11:67,607,055-67,607,058 gives the same sequence; the c. name uses the placement nearest the transcript's 3' end. VCF-style (leftmost placement, unchanged base first): chr11-67607054-CTG-C. GRCh37 (hg19) VCF-style: chr11-67374525-CTG-C.
Other names: c.45+8_45+9del (NM_001166102.2); short protein forms V18fs.
Identifiers: ClinVar variation 280782 (VCV000280782.5), dbSNP rs746745725, ClinGen allele CA6143030.
Genomic context (GRCh38, chr11:67,607,054, plus strand): 5'-GGCCCGCCGCGATGCTGGCAACACGGCGGCTGCTCGGCTGGTCGCTTCCCGCGCGGGTAT[CTG>C]TGCGTTTCAGCGGCGACACGGTGAGGCCCAGCCTGGCTGGGGCCACGGGTGTTTGGGGCC-3'